The following is an entry in ClinVar:

NM_001184.4(ATR):c.2083A>G (p.Lys695Glu)

Gene: ATR (ATR checkpoint kinase; minus strand). Cytogenetic location: 3q23.
Variant type: single nucleotide variant.
Coding change: c.2083A>G on transcript NM_001184.4 (MANE Select); coding-DNA position 2083, A replaced by G.
Protein change: p.Lys695Glu; replaces lysine 695 with glutamic acid.
Molecular consequence: missense variant.
Genome position (GRCh38, 1-based): chr3:142,556,135, T>C on the plus strand (A>G on the coding strand, the complement: ATR is on the minus strand). VCF-style: chr3-142556135-T-C. GRCh37 (hg19) VCF-style: chr3-142274977-T-C.
Other names: c.1891A>G, p.Lys631Glu (NM_001354579.2); short protein forms K695E, K631E.
Identifiers: ClinVar variation 2453523 (VCV002453523.2), dbSNP rs2108471931, ClinGen allele CA354819037.

ClinVar aggregate classification (germline): Uncertain significance (1 of 4 stars; one submission).

Conditions:
Inborn genetic diseases. Identifiers: MedGen C0950123, MeSH D030342.

Allele frequency attached by ClinVar (database versions not stated): gnomAD exomes below 0.00001.
gnomAD v4.1: 1 of 1,613,202 alleles (0.000062%); highest among the groups gnomAD compares: Non-Finnish European, 0.000085%; no homozygotes.

Submission:

Ambry Genetics
Classification: Uncertain significance for Inborn genetic diseases. Last evaluated: 2022-11-17. Review status: criteria provided, single submitter. Criteria: Ambry Variant Classification Scheme 2023. Collection method: clinical testing. Allele origin: germline.
Comment: The p.K695E variant (also known as c.2083A>G), located in coding exon 10 of the ATR gene, results from an A to G substitution at nucleotide position 2083. The lysine at codon 695 is replaced by glutamic acid, an amino acid with similar properties. This amino acid position is conserved. In addition, this alteration is predicted to be tolerated by in silico analysis. Since supporting evidence is limited at this time, the clinical significance of this alteration remains unclear.